The following is an entry in ClinVar:

NM_000268.4(NF2):c.889C>G (p.Leu297Val)

Gene: NF2 (NF2, moesin-ezrin-radixin like (MERLIN) tumor suppressor; plus strand). Cytogenetic location: 22q12.2.
Variant type: single nucleotide variant.
Coding change: c.889C>G on transcript NM_000268.4 (MANE Select); coding-DNA position 889, C replaced by G.
Protein change: p.Leu297Val; replaces leucine 297 with valine.
Molecular consequence: missense variant. On other transcripts: non-coding transcript variant (1), intron variant (1).
Genome position (GRCh38, 1-based): chr22:29,668,336, C>G. VCF-style: chr22-29668336-C-G. GRCh37 (hg19) VCF-style: chr22-30064325-C-G.
Other names: c.754C>G, p.Leu252Val (NM_001407057.1, NM_001407059.1); c.766C>G, p.Leu256Val (NM_001407058.1, NM_181829.3, NM_001407054.1); c.889C>G, p.Leu297Val (NM_001407060.1, NM_001407066.1, NM_016418.5 and 2 more transcripts); c.631C>G, p.Leu211Val (NM_001407062.1); c.640C>G, p.Leu214Val (NM_001407063.1, NM_001407064.1, NM_181830.3 and 1 more transcripts); c.355C>G, p.Leu119Val (NM_001407065.1); c.658C>G, p.Leu220Val (NM_001407067.1); c.763C>G, p.Leu255Val (NM_181828.3, NM_001407055.1); and 2 more; short protein forms L119V, L211V, L214V, L220V, L252V, L255V, L256V, L259V.
Identifiers: ClinVar variation 3605245 (VCV003605245.2).

ClinVar aggregate classification (germline): Uncertain significance (1 of 4 stars; one submission).

Conditions:
Neurofibromatosis, type 2 (SWNV). Also called: BILATERAL ACOUSTIC NEUROFIBROMATOSIS; SCHWANNOMATOSIS, VESTIBULAR; NF2-Related Schwannomatosis. Identifiers: Orphanet 637, MedGen C0027832, MONDO:0007039, OMIM 101000. Disease mechanism: loss of function.

Submission:

Labcorp Genetics (formerly Invitae), Labcorp
Classification: Uncertain significance for Neurofibromatosis, type 2. Last evaluated: 2025-01-11. Review status: criteria provided, single submitter. Criteria: Invitae Variant Classification Sherloc (09022015). Collection method: clinical testing. Allele origin: germline.
Comment: This sequence change replaces leucine, which is neutral and non-polar, with valine, which is neutral and non-polar, at codon 297 of the NF2 protein (p.Leu297Val). This variant is not present in population databases (gnomAD no frequency). This variant has not been reported in the literature in individuals affected with NF2-related conditions. Invitae Evidence Modeling of protein sequence and biophysical properties (such as structural, functional, and spatial information, amino acid conservation, physicochemical variation, residue mobility, and thermodynamic stability) indicates that this missense variant is expected to disrupt NF2 protein function with a positive predictive value of 80%. In summary, the available evidence is currently insufficient to determine the role of this variant in disease. Therefore, it has been classified as a Variant of Uncertain Significance.